The following is an entry in ClinVar:

NM_024675.4(PALB2):c.1847A>T (p.Asp616Val)

Gene: PALB2 (partner and localizer of BRCA2; minus strand). Cytogenetic location: 16p12.2.
Variant type: single nucleotide variant.
Coding change: c.1847A>T on transcript NM_024675.4 (MANE Select); coding-DNA position 1847, A replaced by T.
Protein change: p.Asp616Val; replaces aspartic acid 616 with valine.
Molecular consequence: missense variant.
Genome position (GRCh38, 1-based): chr16:23,630,307, T>A on the plus strand (A>T on the coding strand, the complement: PALB2 is on the minus strand). VCF-style: chr16-23630307-T-A. GRCh37 (hg19) VCF-style: chr16-23641628-T-A.
Other names: short protein forms D616V.
Identifiers: ClinVar variation 1399923 (VCV001399923.13), dbSNP rs876660063, ClinGen allele CA395127816.

ClinVar aggregate classification (germline): Uncertain significance. Review status: criteria provided, multiple submitters, no conflicts (2 of 4 stars). 2 submissions from 2 submitters: Uncertain significance (2). Last evaluated 2025-05-08.

Conditions:
Hereditary cancer-predisposing syndrome. Also called: Hereditary Cancer Syndrome; Hereditary neoplastic syndrome; Tumor predisposition; Neoplastic Syndromes, Hereditary. Identifiers: Orphanet 140162, MedGen C0027672, MeSH D009386, MONDO:0015356.
Familial cancer of breast. Also called: hereditary breast carcinoma; Hereditary breast cancer; BREAST CANCER, FAMILIAL. Identifiers: Orphanet 227535, MedGen C0346153, MONDO:0016419, OMIM 114480. Disease mechanism: loss of function.

Allele frequency attached by ClinVar (database versions not stated): gnomAD exomes below 0.00001; gnomAD 0.00001.
gnomAD v4.1: 2 of 1,614,092 alleles (0.00012%); no homozygotes.

Submissions (2):

Ambry Genetics
Classification: Uncertain significance for Hereditary cancer-predisposing syndrome. Last evaluated: 2025-05-08. Review status: criteria provided, single submitter. Criteria: Ambry Variant Classification Scheme 2023. Collection method: clinical testing. Allele origin: germline.
Comment: The p.D616V variant (also known as c.1847A>T), located in coding exon 5 of the PALB2 gene, results from an A to T substitution at nucleotide position 1847. The aspartic acid at codon 616 is replaced by valine, an amino acid with highly dissimilar properties. This amino acid position is highly conserved in available vertebrate species. In addition, this alteration is predicted to be tolerated by in silico analysis. Since supporting evidence is limited at this time, the clinical significance of this alteration remains unclear.

Labcorp Genetics (formerly Invitae), Labcorp
Classification: Uncertain significance for Familial cancer of breast. Last evaluated: 2022-05-19. Review status: criteria provided, single submitter. Criteria: Invitae Variant Classification Sherloc (09022015). Collection method: clinical testing. Allele origin: germline.
Comment: Algorithms developed to predict the effect of missense changes on protein structure and function (SIFT, PolyPhen-2, Align-GVGD) all suggest that this variant is likely to be disruptive. This sequence change replaces aspartic acid, which is acidic and polar, with valine, which is neutral and non-polar, at codon 616 of the PALB2 protein (p.Asp616Val). This variant is present in population databases (no rsID available, gnomAD 0.004%). This variant has not been reported in the literature in individuals affected with PALB2-related conditions. In summary, the available evidence is currently insufficient to determine the role of this variant in disease. Therefore, it has been classified as a Variant of Uncertain Significance.